The following is an entry in ClinVar:

ClinVar aggregate classification (germline): Conflicting classifications of pathogenicity. Review status: criteria provided, conflicting classifications (1 of 4 stars). 2 submissions from 2 submitters: Uncertain significance (1); Benign (1). Last evaluated 2023-08-10.

Submissions (2):

Labcorp Genetics (formerly Invitae), Labcorp
Classification: Benign. Last evaluated: 2023-08-10. Review status: criteria provided, single submitter. Criteria: Invitae Variant Classification Sherloc (09022015). Collection method: clinical testing. Allele origin: germline.

GeneDx
Classification: Uncertain significance. Last evaluated: 2023-07-18. Review status: criteria provided, single submitter. Criteria: GeneDx Variant Classification Process June 2021. Collection method: clinical testing. Allele origin: germline. Affected: yes.
Comment: Not observed at significant frequency in large population cohorts (gnomAD); Has not been previously published as pathogenic or benign to our knowledge; In silico analysis is inconclusive as to whether the variant alters gene splicing. In the absence of RNA/functional studies, the actual effect of this sequence change is unknown.

NM_003070.5(SMARCA2):c.2400G>T (p.Val800=)

Gene: SMARCA2 (SWI/SNF related BAF chromatin remodeling complex subunit ATPase 2; plus strand). Cytogenetic location: 9p24.3.
Variant type: single nucleotide variant.
Coding change: c.2400G>T on transcript NM_003070.5 (MANE Select); coding-DNA position 2400, G replaced by T.
Protein change: p.Val800=; no amino-acid change (valine 800 retained).
Molecular consequence: synonymous variant.
Genome position (GRCh38, 1-based): chr9:2,083,398, G>T. VCF-style: chr9-2083398-G-T. GRCh37 (hg19) VCF-style: chr9-2083398-G-T.
Other names: c.2400G>T (NM_003070.3); c.2400G>T, p.Val800= (NM_001289396.2, NM_001289397.2, NM_139045.4).
Identifiers: ClinVar variation 2980364 (VCV002980364.4), dbSNP rs2537336180, ClinGen allele CA463711149.
Genomic context (GRCh38, chr9:2,083,398, plus strand): 5'-GTTCCATAGGACTCTATCTAACTGGACATATGAATTTGACAAATGGGCTCCTTCTGTGGT[G>T]AAGATTTCTTACAAGGTTTGGAATGCTGTATTTATATATAAATGTGGAAAAGCAAAAAAT-3'
Protein context (NP_003061.3, residues 790-810): YEFDKWAPSV[Val800=]KISYKGTPAM